The following is an entry in ClinVar:

ClinVar aggregate classification (germline): Likely benign. Review status: criteria provided, single submitter (1 of 4 stars). 2 submissions from 2 submitters: Likely benign (1). 1 of the submissions does not count toward it. Last evaluated 2024-01-12.

Conditions:
OBSL1-related disorder. Also called: OBSL1-related condition.

Allele frequency attached by ClinVar (database versions not stated): ExAC 0.00001; gnomAD exomes 0.00001; TOPMed 0.00002; gnomAD 0.00003.

Submissions (2):

Labcorp Genetics (formerly Invitae), Labcorp
Classification: Likely benign. Last evaluated: 2024-01-12. Review status: criteria provided, single submitter. Criteria: Invitae Variant Classification Sherloc (09022015). Collection method: clinical testing. Allele origin: germline.

PreventionGenetics, part of Exact Sciences
Classification: Likely benign for OBSL1-related condition. Last evaluated: 2019-03-01. Review status: no assertion criteria provided. Collection method: clinical testing. Allele origin: germline. Not counted in ClinVar's aggregate classification.
Comment: This variant is classified as likely benign based on ACMG/AMP sequence variant interpretation guidelines (Richards et al. 2015 PMID: 25741868, with internal and published modifications).

NM_015311.3(OBSL1):c.1752C>T (p.Ser584=)

Gene: OBSL1 (obscurin like cytoskeletal adaptor 1; minus strand). Cytogenetic location: 2q35.
Variant type: single nucleotide variant.
Coding change: c.1752C>T on transcript NM_015311.3 (MANE Select); coding-DNA position 1752, C replaced by T.
Protein change: p.Ser584=; no amino-acid change (serine 584 retained).
Molecular consequence: synonymous variant.
Genome position (GRCh38, 1-based): chr2:219,567,358, G>A on the plus strand (C>T on the coding strand, the complement: OBSL1 is on the minus strand). VCF-style: chr2-219567358-G-A. GRCh37 (hg19) VCF-style: chr2-220432080-G-A.
Other names: c.1752C>T (NM_015311.2); c.1752C>T, p.Ser584= (NM_001173408.2, NM_001173431.2).
Identifiers: ClinVar variation 1989132 (VCV001989132.6), dbSNP rs779660546, ClinGen allele CA2131440.